The following is an entry in ClinVar:

NM_001267550.2(TTN):c.2504C>A (p.Ala835Asp)

Gene: TTN (titin; minus strand). Cytogenetic location: 2q31.2.
Variant type: single nucleotide variant.
Coding change: c.2504C>A on transcript NM_001267550.2 (MANE Select); coding-DNA position 2504, C replaced by A.
Protein change: p.Ala835Asp; replaces alanine 835 with aspartic acid.
Molecular consequence: missense variant.
Genome position (GRCh38, 1-based): chr2:178,784,341, G>T on the plus strand (C>A on the coding strand, the complement: TTN is on the minus strand). VCF-style: chr2-178784341-G-T. GRCh37 (hg19) VCF-style: chr2-179649068-G-T.
Other names: c.2504C>A, p.Ala835Asp (NM_133378.4, NM_001256850.1, NM_133379.5); c.2366C>A, p.Ala789Asp (NM_003319.4, NM_133432.3, NM_133437.4); short protein forms A835D, A789D.
Identifiers: ClinVar variation 192093 (VCV000192093.9), dbSNP rs200572298, ClinGen allele CA238319.

ClinVar aggregate classification (germline): Conflicting classifications of pathogenicity. Review status: criteria provided, conflicting classifications (1 of 4 stars). 8 submissions from 4 submitters: Uncertain significance (6); Benign (1); Likely benign (1). Last evaluated 2025-11-19.

Conditions:
Myopathy, myofibrillar, 9, with early respiratory failure (MFM9). Also called: EDSTROM MYOPATHY; MYOPATHY, PROXIMAL, WITH EARLY RESPIRATORY MUSCLE INVOLVEMENT; Myopathy, distal, with early respiratory failure, autosomal dominant; Hereditary myopathy with early respiratory failure. Identifiers: Orphanet 178464, Orphanet 34521, MedGen C1863599, MONDO:0011362, OMIM 603689.
Early-onset myopathy with fatal cardiomyopathy (CMYO5). Also called: CONGENITAL MYOPATHY 5 WITH CARDIOMYOPATHY; Salih Myopathy. Identifiers: Orphanet 289377, MedGen C2673677, MONDO:0012714, OMIM 611705. Disease mechanism: loss of function.
Tibial muscular dystrophy (TMD). Also called: UDD MYOPATHY; Tibial muscular dystrophy, tardive; Udd Distal Myopathy – Tibial Muscular Dystrophy. Identifiers: Orphanet 609, MedGen C1838244, MONDO:0010870, OMIM 600334.
Dilated cardiomyopathy 1G (CMD1G). Identifiers: Orphanet 154, MedGen C1858763, MONDO:0011400, OMIM 604145.
Autosomal recessive limb-girdle muscular dystrophy type 2J (LGMDR10). Also called: MUSCULAR DYSTROPHY, LIMB-GIRDLE, AUTOSOMAL RECESSIVE 10; Limb-girdle muscular dystrophy, type 2J. Identifiers: Orphanet 140922, MedGen C1837342, MONDO:0012127, OMIM 608807.

Allele frequency attached by ClinVar (database versions not stated): gnomAD 0.00002; gnomAD exomes 0.00002 and 0.00003; ExAC 0.00003; TOPMed 0.00004.
gnomAD v4.1: 37 of 1,613,892 alleles (0.0023%); highest among the groups gnomAD compares: Admixed American, 0.0017%; no homozygotes.

Submissions (8):

Women's Health and Genetics/Laboratory Corporation of America, LabCorp
Classification: Uncertain significance. Last evaluated: 2025-11-19. Review status: criteria provided, single submitter. Criteria: LabCorp Variant Classification Summary - May 2015. Collection method: clinical testing. Allele origin: germline.
Comment: Variant summary: TTN c.2504C>A (p.Ala835Asp) results in a non-conservative amino acid change in the encoded protein sequence. Algorithms developed to predict the effect of missense changes on protein structure and function are either unavailable or do not agree on the potential impact of this missense change. The variant allele was found at a frequency of 3.2e-05 in 249870 control chromosomes. The available data on variant occurrences in the general population are insufficient to allow any conclusion about variant significance. To our knowledge, no occurrence of c.2504C>A in individuals affected with TTN-related conditions and no experimental evidence demonstrating its impact on protein function have been reported. ClinVar contains an entry for this variant (Variation ID: 192093). Based on the evidence outlined above, the variant was classified as uncertain significance.

Revvity Omics, Revvity
Classification: Uncertain significance. Last evaluated: 2020-05-05. Review status: criteria provided, single submitter. Criteria: ACMG Guidelines, 2015. Collection method: clinical testing. Allele origin: germline.

Illumina Laboratory Services, Illumina
Classification: Uncertain significance for Autosomal recessive limb-girdle muscular dystrophy type 2J. Last evaluated: 2018-01-13. Review status: criteria provided, single submitter. Criteria: ICSL Variant Classification Criteria 13 December 2019. Collection method: clinical testing. Allele origin: germline.

Illumina Laboratory Services, Illumina
Classification: Likely benign for Myopathy, myofibrillar, 9, with early respiratory failure. Last evaluated: 2018-01-13. Review status: criteria provided, single submitter. Criteria: ICSL Variant Classification Criteria 13 December 2019. Collection method: clinical testing. Allele origin: germline.
Comment: This variant was observed in the ICSL laboratory as part of a predisposition screen in an ostensibly healthy population. It had not been previously curated by ICSL or reported in the Human Gene Mutation Database (HGMD: prior to June 1st, 2018), and was therefore a candidate for classification through an automated scoring system. Utilizing variant allele frequency, disease prevalence and penetrance estimates, and inheritance mode, an automated score was calculated to assess if this variant is too frequent to cause the disease. Based on the score and internal cut-off values, a variant classified as likely benign is not then subjected to further curation. The score for this variant resulted in a classification of likely benign for this disease.

Illumina Laboratory Services, Illumina
Classification: Uncertain significance for Dilated cardiomyopathy 1G. Last evaluated: 2018-01-13. Review status: criteria provided, single submitter. Criteria: ICSL Variant Classification Criteria 13 December 2019. Collection method: clinical testing. Allele origin: germline.

Illumina Laboratory Services, Illumina
Classification: Uncertain significance for Early-onset myopathy with fatal cardiomyopathy. Last evaluated: 2018-01-13. Review status: criteria provided, single submitter. Criteria: ICSL Variant Classification Criteria 13 December 2019. Collection method: clinical testing. Allele origin: germline.

Illumina Laboratory Services, Illumina
Classification: Benign for Tibial muscular dystrophy. Last evaluated: 2018-01-13. Review status: criteria provided, single submitter. Criteria: ICSL Variant Classification Criteria 13 December 2019. Collection method: clinical testing. Allele origin: germline.
Comment: This variant was observed in the ICSL laboratory as part of a predisposition screen in an ostensibly healthy population. It had not been previously curated by ICSL or reported in the Human Gene Mutation Database (HGMD: prior to June 1st, 2018), and was therefore a candidate for classification through an automated scoring system. Utilizing variant allele frequency, disease prevalence and penetrance estimates, and inheritance mode, an automated score was calculated to assess if this variant is too frequent to cause the disease. Based on the score and internal cut-off values, a variant classified as benign is not then subjected to further curation. The score for this variant resulted in a classification of benign for this disease.

Biesecker Lab/Clinical Genomics Section, National Institutes of Health
Classification: Uncertain significance. Last evaluated: 2013-06-24. Review status: criteria provided, single submitter. Criteria: Ng et al. (Circ Cardiovasc Genet. 2013). Collection method: research. Allele origin: unknown. Observed: 1 variant allele. Study: ClinSeq.
Comment: The study set was not selected for affection status in relation to any cancer. Pathogenicity categories were based on literature curation. See Pubmed ID:23861362 for details.

Medical sequencing